The following is an entry in ClinVar:

NM_000512.5(GALNS):c.121-330G>A

Gene: GALNS (galactosamine (N-acetyl)-6-sulfatase; minus strand). Cytogenetic location: 16q24.3.
Variant type: single nucleotide variant.
Coding change: c.121-330G>A on transcript NM_000512.5 (MANE Select); 330 bases into the intron before coding-DNA position 121, G replaced by A.
Molecular consequence: intron variant. On other transcripts: missense variant (1).
Genome position (GRCh38, 1-based): chr16:88,843,159, C>T on the plus strand (G>A on the coding strand, the complement: GALNS is on the minus strand). VCF-style: chr16-88843159-C-T. GRCh37 (hg19) VCF-style: chr16-88909567-C-T.
Other names: c.9G>A, p.Met3Ile (NM_001323544.2); c.-311-1188G>A (NM_001323543.2); short protein forms M3I.
Identifiers: ClinVar variation 3358418 (VCV003358418.1).

ClinVar aggregate classification (germline): Likely benign (0 of 4 stars; one submission).

Conditions:
GALNS-related disorder. Also called: GALNS-related condition.

gnomAD v4.1: 2,164 of 1,405,486 alleles (0.15%); highest among the groups gnomAD compares: Non-Finnish European, 0.19%; 4 homozygotes.

Submission:

PreventionGenetics, part of Exact Sciences
Classification: Likely benign for GALNS-related condition. Last evaluated: 2024-09-24. Review status: no assertion criteria provided. Collection method: clinical testing. Allele origin: germline.
Comment: This variant is classified as likely benign based on ACMG/AMP sequence variant interpretation guidelines (Richards et al. 2015 PMID: 25741868, with internal and published modifications).